The following is an entry in ClinVar:

ClinVar aggregate classification (germline): Benign/Likely benign. Review status: criteria provided, multiple submitters, no conflicts (2 of 4 stars). 22 submissions from 21 submitters: Benign (11); Likely benign (3). 8 of the submissions do not count toward it. Last evaluated 2026-02-04.

Conditions:
Retinal dystrophy. Also called: Inherited retinal dystrophy. Identifiers: Orphanet 71862, MedGen C0854723, MeSH D058499, MONDO:0019118, HP:0000556.
Cone-rod dystrophy 13 (CORD13). Identifiers: Orphanet 1872, MedGen C2750720, MONDO:0011987, OMIM 608194.
Leber congenital amaurosis 6 (LCA6). Identifiers: Orphanet 65, MedGen C1854260, MONDO:0013446, OMIM 613826.
Leber congenital amaurosis 1 (LCA1). Also called: AMAUROSIS CONGENITA OF LEBER I; RETINAL BLINDNESS, CONGENITAL; Congenital absence of the rods and cones; Leber's congenital tapetoretinal degeneration; Leber's congenital tapetoretinal dysplasia. Identifiers: Orphanet 65, MedGen C2931258, MONDO:0008764, OMIM 204000.

Allele frequency attached by ClinVar (database versions not stated): 1000 Genomes Project 0.16733; 1000 Genomes Project 30x 0.16771; gnomAD exomes 0.20074 and 0.22818; TOPMed 0.20306; ExAC 0.21049; gnomAD 0.21481 and 0.21790.
gnomAD v4.1: 365,449 of 1,611,936 alleles (23%); highest among the groups gnomAD compares: Non-Finnish European, 24%; 43,592 homozygotes.

Submissions (22):

Labcorp Genetics (formerly Invitae), Labcorp
Classification: Benign for Leber congenital amaurosis 6; Cone-rod dystrophy 13. Last evaluated: 2026-02-04. Review status: criteria provided, single submitter. Criteria: Invitae Variant Classification Sherloc (09022015). Collection method: clinical testing. Allele origin: germline.

Blueprint Genetics
Classification: Likely benign. Last evaluated: 2024-11-28. Review status: criteria provided, single submitter. Criteria: ACMG Guidelines, 2015. Collection method: clinical testing. Allele origin: germline.

ARUP Laboratories, Molecular Genetics and Genomics, ARUP Laboratories
Classification: Benign. Last evaluated: 2023-11-22. Review status: criteria provided, single submitter. Criteria: ARUP Molecular Germline Variant Investigation Process 2024. Collection method: clinical testing. Allele origin: germline.

Department of Pathology and Laboratory Medicine, Sinai Health System
Classification: Benign for Cone-rod dystrophy 13; Leber congenital amaurosis 6. Last evaluated: 2023-04-17. Review status: criteria provided, single submitter. Criteria: ACMG Guidelines, 2015. Collection method: research. Allele origin: germline.

Molecular Genetics, Royal Melbourne Hospital
Classification: Benign for Cone-rod dystrophy 13. Last evaluated: 2023-03-30. Review status: criteria provided, single submitter. Criteria: ACMG Guidelines, 2015. Collection method: clinical testing. Allele origin: germline. Affected: no.
Comment: Population allele frequency is 20% (rs10151259, 56,258/275,596 alleles in gnomAD v2.0.2). Based on the classification scheme RMH ACMG Guidelines v1.1.1, this variant is classified as Benign. Following criteria met: BA1

Women's Health and Genetics/Laboratory Corporation of America, LabCorp
Classification: Likely benign. Last evaluated: 2021-12-03. Review status: criteria provided, single submitter. Criteria: LabCorp Variant Classification Summary - May 2015. Collection method: clinical testing. Allele origin: germline.

Mendelics
Classification: Benign for Leber congenital amaurosis 1. Last evaluated: 2019-05-28. Review status: criteria provided, single submitter. Criteria: Mendelics Assertion Criteria 2017. Collection method: clinical testing. Allele origin: unknown.

Illumina Laboratory Services, Illumina
Classification: Benign for Leber congenital amaurosis 6. Last evaluated: 2018-03-06. Review status: criteria provided, single submitter. Criteria: ICSL Variant Classification Criteria 13 December 2019. Collection method: clinical testing. Allele origin: germline.
Comment: This variant was observed in the ICSL laboratory as part of a predisposition screen in an ostensibly healthy population. It had not been previously curated by ICSL or reported in the Human Gene Mutation Database (HGMD: prior to June 1st, 2018), and was therefore a candidate for classification through an automated scoring system. Utilizing variant allele frequency, disease prevalence and penetrance estimates, and inheritance mode, an automated score was calculated to assess if this variant is too frequent to cause the disease. Based on the score and internal cut-off values, a variant classified as benign is not then subjected to further curation. The score for this variant resulted in a classification of benign for this disease.

Illumina Laboratory Services, Illumina
Classification: Benign for Cone-rod dystrophy 13. Last evaluated: 2018-03-06. Review status: criteria provided, single submitter. Criteria: ICSL Variant Classification Criteria 13 December 2019. Collection method: clinical testing. Allele origin: germline.
Comment: the same text as in the submission from Illumina Laboratory Services, Illumina above.

GeneDx
Classification: Benign. Last evaluated: 2016-10-21. Review status: criteria provided, single submitter. Criteria: GeneDx Variant Classification (06012015). Collection method: clinical testing. Allele origin: germline. Affected: yes.
Comment: This variant is considered likely benign or benign based on one or more of the following criteria: it is a conservative change, it occurs at a poorly conserved position in the protein, it is predicted to be benign by multiple in silico algorithms, and/or has population frequency not consistent with disease.

Eurofins Ntd Llc (ga)
Classification: Benign. Last evaluated: 2014-06-18. Review status: criteria provided, single submitter. Criteria: EGL Classification Definitions 2015. Collection method: clinical testing. Allele origin: germline.

Institute of Human Genetics, Univ. Regensburg, Univ. Regensburg
Classification: Benign for Retinal dystrophy. Last evaluated: 2012-01-01. Review status: criteria provided, single submitter. Criteria: ACMG Guidelines, 2015. Collection method: clinical testing. Allele origin: germline. Affected: yes.

Breakthrough Genomics
Classification: Likely benign. Review status: criteria provided, single submitter. Criteria: ACMG Guidelines, 2015. Collection method: not provided. Allele origin: germline. Inheritance: Autosomal recessive inheritance. Affected: yes.

PreventionGenetics, part of Exact Sciences
Classification: Benign. Review status: criteria provided, single submitter. Criteria: ACMG Guidelines, 2015. Collection method: clinical testing. Allele origin: germline.

OMIM
Classification: Pathogenic for CONE-ROD DYSTROPHY 13. Last evaluated: 2003-08-01. Review status: no assertion criteria provided. Collection method: literature only. Allele origin: germline. Not counted in ClinVar's aggregate classification.

Clinical Genetics DNA and cytogenetics Diagnostics Lab, Erasmus MC, Erasmus Medical Center
Classification: Benign. Review status: no assertion criteria provided. Collection method: clinical testing. Allele origin: germline. Affected: yes. Study: VKGL Data-share Consensus. Not counted in ClinVar's aggregate classification.

Clinical Genetics, Academic Medical Center
Classification: Benign. Review status: no assertion criteria provided. Collection method: clinical testing. Allele origin: germline. Affected: yes. Study: VKGL Data-share Consensus. Not counted in ClinVar's aggregate classification.

Diagnostic Laboratory, Department of Genetics, University Medical Center Groningen
Classification: Benign. Review status: no assertion criteria provided. Collection method: clinical testing. Allele origin: germline. Affected: yes. Study: VKGL Data-share Consensus. Not counted in ClinVar's aggregate classification.

GeneReviews
No classification provided. Condition: Cone-rod dystrophy 13. Review status: no classification provided. Collection method: literature only. Allele origin: unknown. Not counted in ClinVar's aggregate classification.

Genome Diagnostics Laboratory, University Medical Center Utrecht
Classification: Benign. Review status: no assertion criteria provided. Collection method: clinical testing. Allele origin: germline. Affected: yes. Study: VKGL Data-share Consensus. Not counted in ClinVar's aggregate classification.

Joint Genome Diagnostic Labs from Nijmegen and Maastricht, Radboudumc and MUMC+
Classification: Benign. Review status: no assertion criteria provided. Collection method: clinical testing. Allele origin: germline. Affected: yes. Study: VKGL Data-share Consensus. Not counted in ClinVar's aggregate classification.

Retina International
No classification provided. Review status: no classification provided. Collection method: not provided. Allele origin: unknown. Not counted in ClinVar's aggregate classification.

Literature cited by the submitters: PubMed 12920076 (cited by Institute of Human Genetics, Univ. Regensburg, Univ. Regensburg and OMIM); PubMed 16272259 (cited by Institute of Human Genetics, Univ. Regensburg, Univ. Regensburg); PubMed 20981092 (cited by Institute of Human Genetics, Univ. Regensburg, Univ. Regensburg); PubMed 20220177 (cited by Institute of Human Genetics, Univ. Regensburg, Univ. Regensburg); PubMed 27884173 (cited by Institute of Human Genetics, Univ. Regensburg, Univ. Regensburg); PubMed 29178642 (cited by Institute of Human Genetics, Univ. Regensburg, Univ. Regensburg); PubMed 31429209 (cited by Institute of Human Genetics, Univ. Regensburg, Univ. Regensburg); PubMed 32552793 (cited by Institute of Human Genetics, Univ. Regensburg, Univ. Regensburg); PubMed 20301475 (cited by GeneReviews); NCBI Bookshelf NBK1298 (cited by GeneReviews).

NM_020366.4(RPGRIP1):c.1639G>T (p.Ala547Ser)

Gene: RPGRIP1 (RPGR interacting protein 1; plus strand). Cytogenetic location: 14q11.2.
Variant type: single nucleotide variant.
Coding change: c.1639G>T on transcript NM_020366.4 (MANE Select); coding-DNA position 1639, G replaced by T.
Protein change: p.Ala547Ser; replaces alanine 547 with serine.
Molecular consequence: missense variant.
Genome position (GRCh38, 1-based): chr14:21,321,881, G>T. VCF-style: chr14-21321881-G-T. GRCh37 (hg19) VCF-style: chr14-21790040-G-T.
Other names: c.565G>T, p.Ala189Ser (NM_001377523.1, NM_001377948.1, NM_001377949.1 and 1 more transcripts); c.67G>T, p.Ala23Ser (NM_001377951.1); short protein forms A547S, A189S, A23S.
Identifiers: ClinVar variation 4987 (VCV000004987.45), dbSNP rs10151259, ClinGen allele CA201070.